The following is an entry in ClinVar:

NM_015466.4(PTPN23):c.3283G>A (p.Gly1095Ser)

Gene: PTPN23 (protein tyrosine phosphatase non-receptor type 23; plus strand). Cytogenetic location: 3p21.31.
Variant type: single nucleotide variant.
Coding change: c.3283G>A on transcript NM_015466.4 (MANE Select); coding-DNA position 3283, G replaced by A.
Protein change: p.Gly1095Ser; replaces glycine 1095 with serine.
Molecular consequence: missense variant.
Genome position (GRCh38, 1-based): chr3:47,411,081, G>A. VCF-style: chr3-47411081-G-A. GRCh37 (hg19) VCF-style: chr3-47452571-G-A.
Other names: c.2905G>A, p.Gly969Ser (NM_001304482.2); short protein forms G969S, G1095S.
Identifiers: ClinVar variation 1376756 (VCV001376756.8), dbSNP rs999812284, ClinGen allele CA73881723.

ClinVar aggregate classification (germline): Uncertain significance (1 of 4 stars; one submission).

Allele frequency attached by ClinVar (database versions not stated): gnomAD exomes below 0.00001; TOPMed 0.00001.
gnomAD v4.1: 1 of 1,589,156 alleles (0.000063%); highest among the groups gnomAD compares: African/African-American, 0.0013%; no homozygotes.

Submission:

Labcorp Genetics (formerly Invitae), Labcorp
Classification: Uncertain significance. Last evaluated: 2022-06-27. Review status: criteria provided, single submitter. Criteria: Invitae Variant Classification Sherloc (09022015). Collection method: clinical testing. Allele origin: germline.
Comment: In summary, the available evidence is currently insufficient to determine the role of this variant in disease. Therefore, it has been classified as a Variant of Uncertain Significance. Algorithms developed to predict the effect of sequence changes on RNA splicing suggest that this variant may create or strengthen a splice site. Algorithms developed to predict the effect of missense changes on protein structure and function (SIFT, PolyPhen-2, Align-GVGD) all suggest that this variant is likely to be tolerated. This variant has not been reported in the literature in individuals affected with PTPN23-related conditions. This variant is not present in population databases (gnomAD no frequency). This sequence change replaces glycine, which is neutral and non-polar, with serine, which is neutral and polar, at codon 1095 of the PTPN23 protein (p.Gly1095Ser).